The following is an entry in ClinVar:

ClinVar aggregate classification (germline): Likely benign. Review status: criteria provided, single submitter (1 of 4 stars). 2 submissions from 2 submitters: Likely benign (1). 1 of the submissions does not count toward it. Last evaluated 2022-08-19.

Conditions:
Cohen syndrome (COH1). Also called: Cutis verticis gyrata, retinitis pigmentosa, and sensorineural deafness; PEPPER SYNDROME. Identifiers: Orphanet 193, MedGen C0265223, MONDO:0008999, OMIM 216550.
VPS13B-related disorder. Also called: VPS13B-related condition.

Submissions (2):

Labcorp Genetics (formerly Invitae), Labcorp
Classification: Likely benign for Cohen syndrome. Last evaluated: 2022-08-19. Review status: criteria provided, single submitter. Criteria: Invitae Variant Classification Sherloc (09022015). Collection method: clinical testing. Allele origin: germline.

PreventionGenetics, part of Exact Sciences
Classification: Likely benign for VPS13B-related condition. Last evaluated: 2023-03-08. Review status: no assertion criteria provided. Collection method: clinical testing. Allele origin: germline. Not counted in ClinVar's aggregate classification.
Comment: This variant is classified as likely benign based on ACMG/AMP sequence variant interpretation guidelines (Richards et al. 2015 PMID: 25741868, with internal and published modifications).

NM_152564.5(VPS13B):c.10113G>T (p.Leu3371=)

Gene: VPS13B (vacuolar protein sorting 13 homolog B; plus strand). Cytogenetic location: 8q22.2.
Variant type: single nucleotide variant.
Coding change: c.10113G>T on transcript NM_152564.5 (MANE Select); coding-DNA position 10113, G replaced by T.
Protein change: p.Leu3371=; no amino-acid change (leucine 3371 retained).
Molecular consequence: synonymous variant.
Genome position (GRCh38, 1-based): chr8:99,853,502, G>T. VCF-style: chr8-99853502-G-T. GRCh37 (hg19) VCF-style: chr8-100865730-G-T.
Other names: c.10188G>T, p.Leu3396= (NM_017890.5).
Identifiers: ClinVar variation 2024839 (VCV002024839.5), dbSNP rs1816396084, ClinGen allele CA462458049.